The following is an entry in ClinVar:

NM_198586.3(NHLRC1):c.799del (p.Val267fs)

Gene: NHLRC1 (NHL repeat containing E3 ubiquitin protein ligase 1; minus strand). Cytogenetic location: 6p22.3.
Variant type: Deletion.
Coding change: c.799del on transcript NM_198586.3 (MANE Select); coding-DNA position 799, one base deleted (G; older notation c.799delG).
Protein change: p.Val267fs; shifts the reading frame from valine 267.
Molecular consequence: frameshift variant.
Genome position (GRCh38, 1-based): chr6:18,121,808, C deleted on the plus strand (G on the coding strand, the reverse complement: NHLRC1 is on the minus strand); the first of 4 consecutive C bases (chr6:18,121,808-18,121,811); deleting any one gives the same sequence. VCF-style (leftmost placement, unchanged base first): chr6-18121807-AC-A. GRCh37 (hg19) VCF-style: chr6-18122038-AC-A.
Other names: short protein forms V267fs.
Identifiers: ClinVar variation 1069688 (VCV001069688.9), dbSNP rs1362520746, ClinGen allele CA1086479366.

ClinVar aggregate classification (germline): Pathogenic (1 of 4 stars; one submission).

Conditions:
Lafora disease. Also called: Epilepsy progressive myoclonic 2; Progressive Myoclonus Epilepsy, Lafora Type. Identifiers: Orphanet 501, MedGen C0751783, MONDO:0009697.

Submission:

Labcorp Genetics (formerly Invitae), Labcorp
Classification: Pathogenic for Lafora disease. Last evaluated: 2020-07-26. Review status: criteria provided, single submitter. Criteria: Invitae Variant Classification Sherloc (09022015). Collection method: clinical testing. Allele origin: germline.
Comment: For these reasons, this variant has been classified as Pathogenic. This variant disrupts the C-terminus of the NHLRC1 protein. Other variant(s) that disrupt this region (p.Ser364*) have been determined to be pathogenic (Invitae). This suggests that variants that disrupt this region of the protein are likely to be causative of disease. This variant has not been reported in the literature in individuals with NHLRC1-related conditions. This variant is not present in population databases (ExAC no frequency). This sequence change results in a premature translational stop signal in the NHLRC1 gene (p.Val267Trpfs*28). While this is not anticipated to result in nonsense mediated decay, it is expected to disrupt the last 129 amino acids of the NHLRC1 protein.